The following is an entry in ClinVar:

NM_000133.4(F9):c.1304G>A (p.Cys435Tyr)

Gene: F9 (coagulation factor IX; plus strand). Cytogenetic location: Xq27.1.
Variant type: single nucleotide variant.
Coding change: c.1304G>A on transcript NM_000133.4 (MANE Select); coding-DNA position 1304, G replaced by A.
Protein change: p.Cys435Tyr; replaces cysteine 435 with tyrosine.
Molecular consequence: missense variant.
Genome position (GRCh38, 1-based): chrX:139,561,989, G>A. VCF-style: chrX-139561989-G-A. GRCh37 (hg19) VCF-style: chrX-138644148-G-A.
Other names: NM_000133.4(F9):c.1304G>A; p.Cys435Tyr; c.1190G>A, p.Cys397Tyr (NM_001313913.2); short protein forms C397Y, C435Y.
Identifiers: ClinVar variation 811512 (VCV000811512.10), dbSNP rs1385141619, ClinGen allele CA414447219.
Genomic context (GRCh38, chrX:139,561,989, plus strand): 5'-ATGTTACTGAAGTGGAAGGGACCAGTTTCTTAACTGGAATTATTAGCTGGGGTGAAGAGT[G>A]TGCAATGAAAGGCAAATATGGAATATATACCAAGGTATCCCGGTATGTCAACTGGATTAA-3'
Protein context (NP_000124.1, residues 425-445): LTGIISWGEE[Cys435Tyr]AMKGKYGIYT

ClinVar aggregate classification (germline): Pathogenic. Review status: reviewed by expert panel (3 of 4 stars). 3 submissions from 3 submitters: Pathogenic (1). 2 of the submissions do not count toward it. Last evaluated 2024-05-09.

Conditions:
Hereditary factor IX deficiency disease (HEMB). Also called: Christmas Disease; F9 DEFICIENCY; FACTOR IX DEFICIENCY; PLASMA THROMBOPLASTIN COMPONENT DEFICIENCY; Hemophilia B. Identifiers: Orphanet 98879, MedGen C0008533, MeSH D002836, MONDO:0010604, OMIM 306900.

Allele frequency attached by ClinVar (database versions not stated): TOPMed 0.00002.

Submissions (3):

ClinGen Coagulation Factor Deficiency Variant Curation Expert Panel, Clingen
Classification: Pathogenic for Hereditary factor IX deficiency disease. Last evaluated: 2024-05-09. Review status: reviewed by expert panel. Criteria: ClinGen CoagFactor ACMG Specifications F9 V1.0.0. Collection method: curation. Allele origin: germline. Inheritance: X-linked inheritance.
Comment: The NM_000133.4:c.1304G>A variant in F9 is a missense variant predicted to cause substitution of Cys by Tyr at amino acid 435 (p.Cys435Tyr). This variant has been reported in 9 probands meeting F9 phenotype criteria (PS4_Very Strong, PP4; PMIDs: s: 8091381, 10698280, 29296726, 22103590, 21118338, 8217825, 7482402). The variant has been reported to segregate with hemophilia B in 2 affected family members from 1 family (PP1; PMID: 21118338). The computational predictor REVEL gives a score of 0.943, which is above the threshold of 0.6, evidence that correlates with impact to F9 function (PP3). This variant is absent from gnomAD v2, v3 and v4. In summary, this variant meets the criteria to be classified as pathogenic for hemophilia B based on the ACMG/AMP criteria applied, as specified by the ClinGen Coagulation Factor Deficiency VCEP: PS4_Very Strong, PM2_Supporting, PP4, PP3, PP1. (Version 1.0.0, 10/05/2023)

Center for Genomic Medicine, Rigshospitalet, Copenhagen University Hospital
Classification: Pathogenic. Last evaluated: 2025-03-04. Review status: criteria provided, single submitter. Criteria: ACMG Guidelines, 2015. Collection method: clinical testing. Allele origin: germline. Not counted in ClinVar's aggregate classification.

ARUP Laboratories, Molecular Genetics and Genomics, ARUP Laboratories
Classification: Pathogenic. Last evaluated: 2018-12-27. Review status: criteria provided, single submitter. Criteria: ARUP Molecular Germline Variant Investigation Process. Collection method: clinical testing. Allele origin: germline. Not counted in ClinVar's aggregate classification.
Comment: The F9 c.1304G>A; p.Cys435Tyr variant, also known as Cys389Tyr, has been described in multiple individuals affected with hemophilia B (see link to F9 database and references therein, Tartary 1993). It is absent from general population databases (1000 Genomes Project, Exome Variant Server, and Genome Aggregation Database), indicating it is not a common polymorphism. The cysteine at codon 435 is highly conserved, and computational algorithms (PolyPhen-2, SIFT) predict that this variant is deleterious. Additionally, another variant with the same amino acid change (c.1304G>T; p.Cys435Tyr) as well as other amino acid changes at this codon (p.Cys435Arg, p.Cys435Gly, and p.Cys435Ser) have been reported in individuals affected with hemophilia B and are considered pathogenic (see link to F9 database and references therein). Based on available information, the c.1304G>A variant is considered pathogenic. REFERENCES Link to F9 database: Tartary M et al. Detection of a molecular defect in 40 of 44 patients with haemophilia B by PCR and denaturing gradient gel electrophoresis. Br J Haematol. 1993 Aug;84(4):662-9.

Literature cited by the submitters: PubMed 8091381 (cited by Center for Genomic Medicine, Rigshospitalet, Copenhagen University Hospital); PubMed 10698280 (cited by Center for Genomic Medicine, Rigshospitalet, Copenhagen University Hospital).